The following is an entry in ClinVar:

ClinVar aggregate classification (germline): Uncertain significance (1 of 4 stars; one submission).

Allele frequency attached by ClinVar (database versions not stated): ExAC 0.00001; gnomAD exomes 0.00002; TOPMed 0.00003.
gnomAD v4.1: 143 of 1,614,072 alleles (0.0089%); highest among the groups gnomAD compares: Non-Finnish European, 0.012%; no homozygotes.

Submission:

Labcorp Genetics (formerly Invitae), Labcorp
Classification: Uncertain significance. Last evaluated: 2021-12-18. Review status: criteria provided, single submitter. Criteria: Invitae Variant Classification Sherloc (09022015). Collection method: clinical testing. Allele origin: germline.
Comment: This sequence change replaces tyrosine, which is neutral and polar, with phenylalanine, which is neutral and non-polar, at codon 106 of the IFNAR2 protein (p.Tyr106Phe). This variant is present in population databases (rs773793948, gnomAD 0.005%). This variant has not been reported in the literature in individuals affected with IFNAR2-related conditions. Algorithms developed to predict the effect of missense changes on protein structure and function are either unavailable or do not agree on the potential impact of this missense change (SIFT: "Deleterious"; PolyPhen-2: "Probably Damaging"; Align-GVGD: "Class C0"). In summary, the available evidence is currently insufficient to determine the role of this variant in disease. Therefore, it has been classified as a Variant of Uncertain Significance.

NM_001289125.3(IFNAR2):c.317A>T (p.Tyr106Phe)

Genes: IFNAR2 (interferon alpha and beta receptor subunit 2; plus strand), IFNAR2-IL10RB (IFNAR2-IL10RB readthrough; plus strand). Cytogenetic location: 21q22.11.
Variant type: single nucleotide variant.
Coding change: c.317A>T on transcript NM_001289125.3 (MANE Select); coding-DNA position 317, A replaced by T.
Protein change: p.Tyr106Phe; replaces tyrosine 106 with phenylalanine.
Molecular consequence: missense variant.
Genome position (GRCh38, 1-based): chr21:33,246,813, A>T. VCF-style: chr21-33246813-A-T. GRCh37 (hg19) VCF-style: chr21-34619118-A-T.
Other names: c.317A>T, p.Tyr106Phe (NM_000874.5, NM_001289126.2, NM_001289128.2 and 4 more transcripts); short protein forms Y106F.
Identifiers: ClinVar variation 1518410 (VCV001518410.3), dbSNP rs773793948, ClinGen allele CA10005616.